The following is an entry in ClinVar:

NM_004082.5(DCTN1):c.2515G>T (p.Ala839Ser)

Gene: DCTN1 (dynactin subunit 1; minus strand). Cytogenetic location: 2p13.1.
Variant type: single nucleotide variant.
Coding change: c.2515G>T on transcript NM_004082.5 (MANE Select); coding-DNA position 2515, G replaced by T.
Protein change: p.Ala839Ser; replaces alanine 839 with serine.
Molecular consequence: missense variant. On other transcripts: non-coding transcript variant (1).
Genome position (GRCh38, 1-based): chr2:74,366,572, C>A on the plus strand (G>T on the coding strand, the complement: DCTN1 is on the minus strand). VCF-style: chr2-74366572-C-A. GRCh37 (hg19) VCF-style: chr2-74593699-C-A.
Other names: c.2446G>T, p.Ala816Ser (NM_001378992.1); c.2113G>T, p.Ala705Ser (NM_023019.4, NM_001135041.3); c.2455G>T, p.Ala819Ser (NM_001135040.3); c.2404G>T, p.Ala802Ser (NM_001190836.2); c.2494G>T, p.Ala832Ser (NM_001190837.2); c.2464G>T, p.Ala822Ser (NM_001378991.1); short protein forms A705S, A802S, A816S, A819S, A822S, A832S, A839S.
Identifiers: ClinVar variation 3759029 (VCV003759029.2).

ClinVar aggregate classification (germline): Uncertain significance (1 of 4 stars; one submission).

Conditions:
Amyotrophic lateral sclerosis type 1 (ALS1). Also called: AMYOTROPHIC LATERAL SCLEROSIS 1, FAMILIAL. Identifiers: Orphanet 803, MedGen C1862939, MONDO:0007103, OMIM 105400.
Neuronopathy, distal hereditary motor, type 7B. Also called: HMN VIIB; LOWER MOTOR NEURON DISEASE, DYNACTIN TYPE; NEURONOPATHY, DISTAL HEREDITARY MOTOR, AUTOSOMAL DOMINANT 14; NEURONOPATHY, DISTAL HEREDITARY MOTOR, HARDING TYPE VIIB; NEUROPATHY, DISTAL HEREDITARY MOTOR, HARDING TYPE VIIB; NEUROPATHY, DISTAL HEREDITARY MOTOR, WITH VOCAL CORD PARALYSIS, HARDING TYPE VIIB. Identifiers: Orphanet 139589, MedGen C1843315, MONDO:0011879, OMIM 607641.
Perry syndrome. Also called: PARKINSONISM WITH ALVEOLAR HYPOVENTILATION AND MENTAL DEPRESSION. Identifiers: Orphanet 178509, MedGen C1868594, MONDO:0008201, OMIM 168605.

Submission:

Labcorp Genetics (formerly Invitae), Labcorp
Classification: Uncertain significance for Amyotrophic lateral sclerosis type 1; Neuronopathy, distal hereditary motor, type 7B; Perry syndrome. Last evaluated: 2024-11-09. Review status: criteria provided, single submitter. Criteria: Invitae Variant Classification Sherloc (09022015). Collection method: clinical testing. Allele origin: germline.
Comment: This sequence change replaces alanine, which is neutral and non-polar, with serine, which is neutral and polar, at codon 839 of the DCTN1 protein (p.Ala839Ser). This variant is not present in population databases (gnomAD no frequency). This variant has not been reported in the literature in individuals affected with DCTN1-related conditions. Invitae Evidence Modeling of protein sequence and biophysical properties (such as structural, functional, and spatial information, amino acid conservation, physicochemical variation, residue mobility, and thermodynamic stability) indicates that this missense variant is not expected to disrupt DCTN1 protein function with a negative predictive value of 95%. Algorithms developed to predict the effect of sequence changes on RNA splicing suggest that this variant may create or strengthen a splice site. In summary, the available evidence is currently insufficient to determine the role of this variant in disease. Therefore, it has been classified as a Variant of Uncertain Significance.